The following is an entry in ClinVar:

ClinVar aggregate classification (germline): Benign (1 of 4 stars; one submission).

Allele frequency attached by ClinVar (database versions not stated): TOPMed 0.00001; gnomAD 0.00004; gnomAD exomes 0.00006.
gnomAD v4.1: 12 of 254,914 alleles (0.0047%); highest among the groups gnomAD compares: South Asian, 0.054%; no homozygotes.

Submission:

CeGaT Center for Human Genetics Tuebingen
Classification: Benign. Last evaluated: 2022-05-01. Review status: criteria provided, single submitter. Criteria: CeGaT Center For Human Genetics Tuebingen Variant Classification Criteria Version 2. Collection method: clinical testing. Allele origin: germline. Affected: yes. Observed: 1 variant allele.
Comment: PAFAH1B1: BS1, BS2

NM_000430.4(PAFAH1B1):c.-191+19837G>T

Gene: PAFAH1B1 (platelet activating factor acetylhydrolase 1b regulatory subunit 1; plus strand). Cytogenetic location: 17p13.3.
Variant type: single nucleotide variant.
Coding change: c.-191+19837G>T on transcript NM_000430.4 (MANE Select); 19837 bases into the intron after 191 bases upstream of the start codon, G replaced by T.
Molecular consequence: intron variant.
Genome position (GRCh38, 1-based): chr17:2,613,843, G>T. VCF-style: chr17-2613843-G-T. GRCh37 (hg19) VCF-style: chr17-2517137-G-T.
Identifiers: ClinVar variation 2647222 (VCV002647222.24), dbSNP rs1241384974, ClinGen allele CA497465805.
Genomic context (GRCh38, chr17:2,613,843, plus strand): 5'-TCTGCAGGAGCTCCTGATGCCGGGCGAGCATCTCCACTCGGGCAGGGGCAGGAATCCGTA[G>T]CCTGGGATCTGGCACAGAGGTGAGGGCACTCCCAGAAAGGGGGGCCTGAAATGGGGGCCC-3'